The following is an entry in ClinVar:

NM_001126121.2(SLC25A19):c.*4C>T

Genes: MIF4GD-DT (MIF4GD divergent transcript; plus strand), SLC25A19 (solute carrier family 25 member 19; minus strand). Cytogenetic location: 17q25.1.
Variant type: single nucleotide variant.
Coding change: c.*4C>T on transcript NM_001126121.2 (MANE Select); 4 bases downstream of the stop codon, C replaced by T.
Molecular consequence: 3 prime UTR variant. On other transcripts: non-coding transcript variant (1).
Genome position (GRCh38, 1-based): chr17:75,273,447, G>A on the plus strand (C>T on the coding strand, the complement: SLC25A19 is on the minus strand). VCF-style: chr17-75273447-G-A. GRCh37 (hg19) VCF-style: chr17-73269528-G-A.
Other names: c.*4C>T (NM_001126122.2, NM_021734.5).
Identifiers: ClinVar variation 3045153 (VCV003045153.2), dbSNP rs780556634, ClinGen allele CA8760854.

ClinVar aggregate classification (germline): Likely benign (0 of 4 stars; one submission).

Conditions:
SLC25A19-related disorder. Also called: SLC25A19-related condition.

Allele frequency attached by ClinVar (database versions not stated): gnomAD 0.00002; TOPMed 0.00004; ExAC 0.00011.
gnomAD v4.1: 99 of 1,613,390 alleles (0.0061%); highest among the groups gnomAD compares: Non-Finnish European, 0.0081%; no homozygotes.

Submission:

PreventionGenetics, part of Exact Sciences
Classification: Likely benign for SLC25A19-related condition. Last evaluated: 2024-01-22. Review status: no assertion criteria provided. Collection method: clinical testing. Allele origin: germline.
Comment: This variant is classified as likely benign based on ACMG/AMP sequence variant interpretation guidelines (Richards et al. 2015 PMID: 25741868, with internal and published modifications).